The following is an entry in ClinVar:

NM_000374.5(UROD):c.346C>T (p.Gln116Ter)

Gene: UROD (uroporphyrinogen decarboxylase; plus strand). Cytogenetic location: 1p34.1.
Variant type: single nucleotide variant.
Coding change: c.346C>T on transcript NM_000374.5 (MANE Select); coding-DNA position 346, C replaced by T.
Protein change: p.Gln116Ter; replaces glutamine 116 with a stop codon.
Molecular consequence: nonsense. On other transcripts: non-coding transcript variant (3).
Genome position (GRCh38, 1-based): chr1:45,013,663, C>T. VCF-style: chr1-45013663-C-T. GRCh37 (hg19) VCF-style: chr1-45479335-C-T.
Other names: short protein forms Q116*.
Identifiers: ClinVar variation 64679 (VCV000064679.3), dbSNP rs397514765, ClinGen allele CA144730.
Genomic context (GRCh38, chr1:45,013,663, plus strand): 5'-ATGGAGGTGACCATGGTACCTGGCAAAGGACCCAGCTTCCCAGAGCCATTAAGAGAAGAG[C>T]AGGACCTAGAACGCCTACGGGATCCAGAAGTGGTAGCCTCTGAGCTAGGCTATGTGTTCC-3'

ClinVar aggregate classification (germline): Pathogenic. Review status: criteria provided, multiple submitters, no conflicts (2 of 4 stars). 3 submissions from 3 submitters: Pathogenic (2). 1 of the submissions does not count toward it. Last evaluated 2025-09-08.

Conditions:
Familial porphyria cutanea tarda (PCT). Also called: PCT, TYPE II; PORPHYRIA CUTANEA TARDA, TYPE II; PORPHYRIA, HEPATOCUTANEOUS TYPE; UROD DEFICIENCY; UROPORPHYRINOGEN DECARBOXYLASE DEFICIENCY; PCT, ''FAMILIAL'' TYPE. Identifiers: Orphanet 101330, Orphanet 443062, MedGen C0268323, MONDO:0008296, OMIM 176100.
Porphyria cutanea tarda. Identifiers: Orphanet 101330, MedGen C0162566, MONDO:0015104.

Allele frequency attached by ClinVar (database versions not stated): gnomAD exomes below 0.00001; ExAC 0.00001; gnomAD 0.00001; TOPMed 0.00001.
gnomAD v4.1: 4 of 1,614,014 alleles (0.00025%); highest among the groups gnomAD compares: African/African-American, 0.0027%; no homozygotes.

Submissions (3):

Labcorp Genetics (formerly Invitae), Labcorp
Classification: Pathogenic. Last evaluated: 2025-09-08. Review status: criteria provided, single submitter. Criteria: Invitae Variant Classification Sherloc (09022015). Collection method: clinical testing. Allele origin: germline.
Comment: This sequence change creates a premature translational stop signal (p.Gln116*) in the UROD gene. It is expected to result in an absent or disrupted protein product. Loss-of-function variants in UROD are known to be pathogenic (PMID: 1634232, 17240319, 19233912, 19419417, 23545314). This variant is present in population databases (rs397514765, gnomAD 0.007%). This premature translational stop signal has been observed in individual(s) with porphyria cutanea tarda (PMID: 19419417). ClinVar contains an entry for this variant (Variation ID: 64679). For these reasons, this variant has been classified as Pathogenic.

Molecular Genetics, Royal Melbourne Hospital
Classification: Pathogenic for Familial porphyria cutanea tarda. Last evaluated: 2024-08-05. Review status: criteria provided, single submitter. Criteria: ACMG Guidelines, 2015. Collection method: clinical testing. Allele origin: germline. Inheritance: Semidominant inheritance. Affected: yes.
Comment: This sequence change in UROD is a nonsense variant predicted to cause a premature stop codon, p.(Gln116*), in biologically relevant exon 5/10 leading to nonsense-mediated decay in a gene in which loss-of-function is an established disease mechanism (PMID: 11134514, 9806541, 23741761). The highest population minor allele frequency in the population database gnomAD v4.1 is 0.0002% (2/1,180,032 alleles) in the European (non-Finnish) population. This variant has been reported in at least one proband with an established diagnosis of porphyria cutanea tarda (PCT) based on clinical and biochemical findings (PMID: 19419417). Based on the classification scheme RMH Modified ACMG/AMP Guidelines v1.7.0, this variant is classified as PATHOGENIC. Following criteria are met: PVS1, PM2_Supporting, PP4.

OMIM
Classification: Pathogenic for PORPHYRIA CUTANEA TARDA. Last evaluated: 2009-04-01. Review status: no assertion criteria provided. Collection method: literature only. Allele origin: germline. Not counted in ClinVar's aggregate classification.

Literature cited by the submitters: PubMed 1634232 (cited by Labcorp Genetics (formerly Invitae), Labcorp); PubMed 17240319 (cited by Labcorp Genetics (formerly Invitae), Labcorp); PubMed 19233912 (cited by Labcorp Genetics (formerly Invitae), Labcorp); PubMed 19419417 (cited by 3 submitters); PubMed 23545314 (cited by Labcorp Genetics (formerly Invitae), Labcorp); PubMed 9806541 (cited by Molecular Genetics, Royal Melbourne Hospital); PubMed 11134514 (cited by Molecular Genetics, Royal Melbourne Hospital); PubMed 23741761 (cited by Molecular Genetics, Royal Melbourne Hospital).